The following is an entry in ClinVar:

NM_017882.3(CLN6):c.53C>T (p.Ala18Val)

Gene: CLN6 (CLN6 transmembrane ER protein; minus strand). Cytogenetic location: 15q23.
Variant type: single nucleotide variant.
Coding change: c.53C>T on transcript NM_017882.3 (MANE Select); coding-DNA position 53, C replaced by T.
Protein change: p.Ala18Val; replaces alanine 18 with valine.
Molecular consequence: missense variant.
Genome position (GRCh38, 1-based): chr15:68,229,532, G>A on the plus strand (C>T on the coding strand, the complement: CLN6 is on the minus strand). VCF-style: chr15-68229532-G-A. GRCh37 (hg19) VCF-style: chr15-68521870-G-A.
Other names: p.A18V:GCG>GTG; short protein forms A18V.
Identifiers: ClinVar variation 193389 (VCV000193389.34), dbSNP rs547125345, ClinGen allele CA238907.

ClinVar aggregate classification (germline): Conflicting classifications of pathogenicity. Review status: criteria provided, conflicting classifications (1 of 4 stars). 8 submissions from 8 submitters: Uncertain significance (4); Benign (1); Likely benign (2). 1 of the submissions does not count toward it. Last evaluated 2026-01-31.

Conditions:
CLN6-related disorder. Also called: CLN6-related condition.
Inborn genetic diseases. Identifiers: MedGen C0950123, MeSH D030342.
Adult neuronal ceroid lipofuscinosis. Also called: Kufs disease. Identifiers: Orphanet 228340, Orphanet 79262, MedGen C0022797, MONDO:0019260.
Ceroid lipofuscinosis, neuronal, 6A. Also called: Neuronal ceroid lipofuscinosis, Gypsy/Indian early juvenile variant; Neuronal ceroid lipofuscinosis 6; CLN6-Related Neuronal Ceroid-Lipofuscinosis; Neuronal ceroid lipofuscinosis, late infantile, variant. Identifiers: Orphanet 168491, Orphanet 228363, MedGen C5551375, MONDO:0011144, OMIM 601780.
Neuronal ceroid lipofuscinosis. Also called: Neuronal Ceroid Lipofuscinoses. Identifiers: Orphanet 216, Orphanet 79263, MedGen C0027877, MONDO:0016295. Disease mechanism: loss of function.

Allele frequency attached by ClinVar (database versions not stated): gnomAD exomes 0.00012 and 0.00015; ExAC 0.00060; gnomAD 0.00112 and 0.00120; TOPMed 0.00134; 1000 Genomes Project 0.00180; 1000 Genomes Project 30x 0.00219.
gnomAD v4.1: 337 of 1,466,042 alleles (0.023%); highest among the groups gnomAD compares: African/African-American, 0.42%; 2 homozygotes.

Submissions (8):

Labcorp Genetics (formerly Invitae), Labcorp
Classification: Benign for Neuronal ceroid lipofuscinosis. Last evaluated: 2026-01-31. Review status: criteria provided, single submitter. Criteria: Invitae Variant Classification Sherloc (09022015). Collection method: clinical testing. Allele origin: germline.

GeneDx
Classification: Uncertain significance. Last evaluated: 2025-12-09. Review status: criteria provided, single submitter. Criteria: GeneDx Variant Classification Process June 2021. Collection method: clinical testing. Allele origin: germline. Affected: yes.
Comment: In silico analysis supports that this missense variant has a deleterious effect on protein structure/function; Has not been previously published as pathogenic or benign to our knowledge; This variant is associated with the following publications: (PMID: 30019023)

Blueprint Genetics
Classification: Likely benign. Last evaluated: 2024-08-28. Review status: criteria provided, single submitter. Criteria: ACMG Guidelines, 2015. Collection method: clinical testing. Allele origin: germline.

Ambry Genetics
Classification: Uncertain significance for Inborn genetic diseases. Last evaluated: 2020-08-03. Review status: criteria provided, single submitter. Criteria: Ambry Variant Classification Scheme 2023. Collection method: clinical testing. Allele origin: germline.
Comment: The p.A18V variant (also known as c.53C>T), located in coding exon 1 of the CLN6 gene, results from a C to T substitution at nucleotide position 53. The alanine at codon 18 is replaced by valine, an amino acid with similar properties. This amino acid position is not well conserved in available vertebrate species, and valine is the reference amino acid in other vertebrate species. In addition, the in silico prediction for this alteration is inconclusive. Since supporting evidence is limited at this time, the clinical significance of this alteration remains unclear.

Fulgent Genetics
Classification: Uncertain significance for Ceroid lipofuscinosis, neuronal, 6B (Kufs type); Ceroid lipofuscinosis, neuronal, 6A. Last evaluated: 2017-05-23. Review status: criteria provided, single submitter. Criteria: ACMG Guidelines, 2015. Collection method: clinical testing. Allele origin: unknown.

Eurofins Ntd Llc (ga)
Classification: Likely benign. Last evaluated: 2017-01-08. Review status: criteria provided, single submitter. Criteria: EGL Classification Definitions 2015. Collection method: clinical testing. Allele origin: germline. Observed: 2 variant alleles, 2 heterozygotes.

Athena Diagnostics
Classification: Uncertain significance. Last evaluated: 2016-10-17. Review status: criteria provided, single submitter. Criteria: Athena Diagnostics Criteria. Collection method: clinical testing. Allele origin: germline.

PreventionGenetics, part of Exact Sciences
Classification: Likely benign for CLN6-related condition. Last evaluated: 2019-08-22. Review status: no assertion criteria provided. Collection method: clinical testing. Allele origin: germline. Not counted in ClinVar's aggregate classification.
Comment: This variant is classified as likely benign based on ACMG/AMP sequence variant interpretation guidelines (Richards et al. 2015 PMID: 25741868, with internal and published modifications).

Literature cited by the submitters: PubMed 30019023 (cited by Ambry Genetics).